The following is an entry in ClinVar:

NM_017763.6(RNF43):c.1909A>T (p.Ser637Cys)

Gene: RNF43 (ring finger protein 43; minus strand). Cytogenetic location: 17q22.
Variant type: single nucleotide variant.
Coding change: c.1909A>T on transcript NM_017763.6 (MANE Select); coding-DNA position 1909, A replaced by T.
Protein change: p.Ser637Cys; replaces serine 637 with cysteine.
Molecular consequence: missense variant.
Genome position (GRCh38, 1-based): chr17:58,357,867, T>A on the plus strand (A>T on the coding strand, the complement: RNF43 is on the minus strand). VCF-style: chr17-58357867-T-A. GRCh37 (hg19) VCF-style: chr17-56435228-T-A.
Other names: c.1909A>T, p.Ser637Cys (NM_001305544.3, NM_001438820.1, NM_001438821.1 and 1 more transcripts); c.1528A>T, p.Ser510Cys (NM_001305545.2, NM_001437987.1); short protein forms S510C, S637C.
Identifiers: ClinVar variation 4578953 (VCV004578953.1).
Genomic context (GRCh38, chr17:58,357,867, plus strand): 5'-GCCTTTTCCTCTGTGGGTGTCGGGCAGAGAGGCTGGATTTTTGCAAGTTGAACAGACTGC[T>A]GGTACTGGGGCAGATGCTGGAGGCGTCAACTGGGCCAGGGGCTGGCTCAGGGAGGGCCCT-3'
Protein context (NP_060233.3, residues 627-647): VDASSICPST[Ser637Cys]SLFNLQKSSL

ClinVar aggregate classification (germline): Uncertain significance (1 of 4 stars; one submission).

Submission:

Ambry Genetics
Classification: Uncertain significance. Last evaluated: 2025-09-27. Review status: criteria provided, single submitter. Criteria: Ambry Variant Classification Scheme 2023. Collection method: clinical testing. Allele origin: germline.
Comment: The p.S637C variant (also known as c.1909A>T), located in coding exon 8 of the RNF43 gene, results from an A to T substitution at nucleotide position 1909. The serine at codon 637 is replaced by cysteine, an amino acid with dissimilar properties. This amino acid position is conserved. In addition, this alteration is predicted to be tolerated by in silico analysis. Based on the available evidence, the clinical significance of this variant remains unclear.